The following is an entry in ClinVar:

NM_030665.4(RAI1):c.834GCA[9] (p.Gln288_Gln291del)

Gene: RAI1 (retinoic acid induced 1; plus strand). Cytogenetic location: 17p11.2.
Variant type: Microsatellite.
Coding change: c.834GCA[9] on transcript NM_030665.4 (MANE Select); nine copies in a row of the 3-base unit GCA starting at c.834; the reference has 13 copies in a row; four copies, 12 bases deleted; also written c.861_872del.
Protein change: p.Gln288_Gln291del.
Molecular consequence: inframe deletion.
Genome position (GRCh38, 1-based): chr17:17,793,809-17,793,820, GCAGCAGCAGCA deleted; deleting any 12 consecutive bases within chr17:17,793,780-17,793,820 gives the same sequence; the position shown is the placement nearest the transcript's 3' end. VCF-style (leftmost placement, unchanged base first): chr17-17793779-CCAGCAGCAGCAG-C. GRCh37 (hg19) VCF-style: chr17-17697093-CCAGCAGCAGCAG-C.
Other names: p.Gln288_Gln291del; c.861_872delGCAGCAGCAGCA (NM_030665.3); c.861_872del (NM_030665.4).
Identifiers: ClinVar variation 130088 (VCV000130088.34), dbSNP rs371983878, ClinGen allele CA180361.

ClinVar aggregate classification (germline): Benign/Likely benign. Review status: criteria provided, multiple submitters, no conflicts (2 of 4 stars). 14 submissions from 13 submitters: Benign (6); Likely benign (3). 5 of the submissions do not count toward it. Last evaluated 2026-02-04.

Conditions:
RAI1-related disorder. Also called: RAI1-related condition.
History of neurodevelopmental disorder. Identifiers: MedGen C2711754.
Inborn genetic diseases. Identifiers: MedGen C0950123, MeSH D030342.

Submissions (14):

Labcorp Genetics (formerly Invitae), Labcorp
Classification: Benign. Last evaluated: 2026-02-04. Review status: criteria provided, single submitter. Criteria: Invitae Variant Classification Sherloc (09022015). Collection method: clinical testing. Allele origin: germline.

Laboratory of Genetics, Children's Clinical University Hospital Latvia
Classification: Benign. Last evaluated: 2025-02-16. Review status: criteria provided, single submitter. Criteria: ACMG Guidelines, 2015. Collection method: clinical testing. Allele origin: germline. Affected: yes.

Mayo Clinic Laboratories, Mayo Clinic
Classification: Benign. Last evaluated: 2022-12-26. Review status: criteria provided, single submitter. Criteria: ACMG Guidelines, 2015. Collection method: clinical testing. Allele origin: germline. Observed: 3 variant alleles.

GeneDx
Classification: Benign. Last evaluated: 2019-08-27. Review status: criteria provided, single submitter. Criteria: GeneDx Variant Classification Process June 2021. Collection method: clinical testing. Allele origin: germline. Affected: yes.

Ambry Genetics
Classification: Likely benign for History of neurodevelopmental disorder. Last evaluated: 2017-04-17. Review status: criteria provided, single submitter. Criteria: Ambry Autosomal Dominant and X-Linked criteria (3/2017). Collection method: clinical testing. Allele origin: germline. Observed: 1 variant allele.
Comment: General population or subpopulation frequency is too high to be a pathogenic mutation based on disease/syndrome prevalence and penetrance;Other strong data supporting benign classification

Ambry Genetics
Classification: Likely benign for Inborn genetic diseases. Last evaluated: 2016-12-16. Review status: criteria provided, single submitter. Criteria: Ambry Variant Classification Scheme 2023. Collection method: clinical testing. Allele origin: germline.

Genomic Diagnostic Laboratory, Division of Genomic Diagnostics, Children's Hospital of Philadelphia
Classification: Benign. Last evaluated: 2015-10-30. Review status: criteria provided, single submitter. Criteria: DGD Variant Analysis Guidelines. Collection method: clinical testing. Allele origin: unknown.

Genetic Services Laboratory, University of Chicago
Classification: Likely benign. Last evaluated: 2014-05-29. Review status: criteria provided, single submitter. Criteria: ACMG Guidelines, 2015. Collection method: clinical testing. Allele origin: germline.

Eurofins Ntd Llc (ga)
Classification: Benign. Last evaluated: 2014-02-25. Review status: criteria provided, single submitter. Criteria: EGL Classification Definitions 2015. Collection method: clinical testing. Allele origin: germline. Observed: 1 variant allele, 1 heterozygote.

PreventionGenetics, part of Exact Sciences
Classification: Benign for RAI1-related condition. Last evaluated: 2023-11-10. Review status: no assertion criteria provided. Collection method: clinical testing. Allele origin: germline. Not counted in ClinVar's aggregate classification.
Comment: This variant is classified as benign based on ACMG/AMP sequence variant interpretation guidelines (Richards et al. 2015 PMID: 25741868, with internal and published modifications).

Clinical Genetics DNA and cytogenetics Diagnostics Lab, Erasmus MC, Erasmus Medical Center
Classification: Likely benign. Review status: no assertion criteria provided. Collection method: clinical testing. Allele origin: germline. Affected: yes. Study: VKGL Data-share Consensus. Not counted in ClinVar's aggregate classification.

Diagnostic Laboratory, Department of Genetics, University Medical Center Groningen
Classification: Benign. Review status: no assertion criteria provided. Collection method: clinical testing. Allele origin: germline. Affected: yes. Study: VKGL Data-share Consensus. Not counted in ClinVar's aggregate classification.

Genome Diagnostics Laboratory, University Medical Center Utrecht
Classification: Likely benign. Review status: no assertion criteria provided. Collection method: clinical testing. Allele origin: germline. Affected: yes. Study: VKGL Data-share Consensus. Not counted in ClinVar's aggregate classification.

Laboratory of Diagnostic Genome Analysis, Leiden University Medical Center (LUMC)
Classification: Likely benign. Review status: no assertion criteria provided. Collection method: clinical testing. Allele origin: germline. Affected: yes. Study: VKGL Data-share Consensus. Not counted in ClinVar's aggregate classification.